The following is an entry in ClinVar:

NM_015294.6(TRIM37):c.698G>A (p.Ser233Asn)

Gene: TRIM37 (tripartite motif containing 37; minus strand). Cytogenetic location: 17q22.
Variant type: single nucleotide variant.
Coding change: c.698G>A on transcript NM_015294.6 (MANE Select); coding-DNA position 698, G replaced by A.
Protein change: p.Ser233Asn; replaces serine 233 with asparagine.
Molecular consequence: missense variant. On other transcripts: 5 prime UTR variant (1), non-coding transcript variant (2).
Genome position (GRCh38, 1-based): chr17:59,070,934, C>T on the plus strand (G>A on the coding strand, the complement: TRIM37 is on the minus strand). VCF-style: chr17-59070934-C-T. GRCh37 (hg19) VCF-style: chr17-57148295-C-T.
Other names: c.698G>A, p.Ser233Asn (NM_001005207.5, NM_001320988.3, NM_001320989.3 and 2 more transcripts); c.596G>A, p.Ser199Asn (NM_001320987.3, NM_001353082.2); c.332G>A, p.Ser111Asn (NM_001320990.3); c.-38G>A (NM_001353083.2); c.236G>A, p.Ser79Asn (NM_001353085.2); short protein forms S233N, S111N, S199N, S79N.
Identifiers: ClinVar variation 597043 (VCV000597043.8), dbSNP rs200009152, ClinGen allele CA8678539.
Genomic context (GRCh38, chr17:59,070,934, plus strand): 5'-CGATGAACTTGCTGAAACATCATAAGGATCTCTGAGCTCTTAGATATCAACTCACTCTTA[C>T]TACAAGACCGCAACTGTGTGAGGAAAAAAATTATCTGAACAAACAAAATTACTATTCACT-3'
Protein context (NP_056109.1, residues 223-243): QEVEHQLRSC[Ser233Asn]KSELISKSSE

ClinVar aggregate classification (germline): Uncertain significance. Review status: criteria provided, multiple submitters, no conflicts (2 of 4 stars). 3 submissions from 3 submitters: Uncertain significance (3). Last evaluated 2022-09-19.

Conditions:
Mulibrey nanism syndrome. Also called: MUSCLE-LIVER-BRAIN-EYE NANISM; PERHEENTUPA SYNDROME; PERICARDIAL CONSTRICTION AND GROWTH FAILURE. Identifiers: Orphanet 2576, MedGen C0524582, MONDO:0009664, OMIM 253250.

Allele frequency attached by ClinVar (database versions not stated): ExAC 0.00001; gnomAD exomes 0.00001 and 0.00002; gnomAD 0.00005; TOPMed 0.00011; 1000 Genomes Project 30x 0.00031; 1000 Genomes Project 0.00040.
gnomAD v4.1: 23 of 1,613,898 alleles (0.0014%); highest among the groups gnomAD compares: Admixed American, 0.017%; no homozygotes.

Submissions (3):

Labcorp Genetics (formerly Invitae), Labcorp
Classification: Uncertain significance. Last evaluated: 2022-09-19. Review status: criteria provided, single submitter. Criteria: Invitae Variant Classification Sherloc (09022015). Collection method: clinical testing. Allele origin: germline.
Comment: This sequence change replaces serine, which is neutral and polar, with asparagine, which is neutral and polar, at codon 233 of the TRIM37 protein (p.Ser233Asn). This variant is present in population databases (rs200009152, gnomAD 0.006%). This variant has not been reported in the literature in individuals affected with TRIM37-related conditions. ClinVar contains an entry for this variant (Variation ID: 597043). Advanced modeling of protein sequence and biophysical properties (such as structural, functional, and spatial information, amino acid conservation, physicochemical variation, residue mobility, and thermodynamic stability) performed at Invitae indicates that this missense variant is expected to disrupt TRIM37 protein function. In summary, the available evidence is currently insufficient to determine the role of this variant in disease. Therefore, it has been classified as a Variant of Uncertain Significance.

Department of Pathology and Laboratory Medicine, Sinai Health System
Classification: Uncertain significance for Mulibrey nanism syndrome. Last evaluated: 2022-02-03. Review status: criteria provided, single submitter. Criteria: ACMG Guidelines, 2015. Collection method: research. Allele origin: germline.

Eurofins Ntd Llc (ga)
Classification: Uncertain significance. Last evaluated: 2018-05-15. Review status: criteria provided, single submitter. Criteria: EGL ClinVar v180209 classification definitions. Collection method: clinical testing. Allele origin: germline. Observed: 1 variant allele, 1 heterozygote.